The following is an entry in ClinVar:

NM_152703.5(SAMD9L):c.1556G>A (p.Arg519Lys)

Gene: SAMD9L (sterile alpha motif domain containing 9 like; minus strand). Cytogenetic location: 7q21.2.
Variant type: single nucleotide variant.
Coding change: c.1556G>A on transcript NM_152703.5 (MANE Select); coding-DNA position 1556, G replaced by A.
Protein change: p.Arg519Lys; replaces arginine 519 with lysine.
Molecular consequence: missense variant.
Genome position (GRCh38, 1-based): chr7:93,134,416, C>T on the plus strand (G>A on the coding strand, the complement: SAMD9L is on the minus strand). VCF-style: chr7-93134416-C-T. GRCh37 (hg19) VCF-style: chr7-92763729-C-T.
Other names: c.1556G>A, p.Arg519Lys (NM_001303496.3, NM_001303497.3, NM_001303498.3 and 5 more transcripts); c.1556G>A (NM_152703.2); short protein forms R519K.
Identifiers: ClinVar variation 2829553 (VCV002829553.4), dbSNP rs2535427060, ClinGen allele CA368195833.

ClinVar aggregate classification (germline): Uncertain significance. Review status: criteria provided, multiple submitters, no conflicts (2 of 4 stars). 2 submissions from 2 submitters: Uncertain significance (2). Last evaluated 2025-01-27.

Conditions:
Inborn genetic diseases. Identifiers: MedGen C0950123, MeSH D030342.

Submissions (2):

Ambry Genetics
Classification: Uncertain significance for Inborn genetic diseases. Last evaluated: 2025-01-27. Review status: criteria provided, single submitter. Criteria: Ambry Variant Classification Scheme 2023. Collection method: clinical testing. Allele origin: germline.
Comment: The p.R519K variant (also known as c.1556G>A), located in coding exon 1 of the SAMD9L gene, results from a G to A substitution at nucleotide position 1556. The arginine at codon 519 is replaced by lysine, an amino acid with highly similar properties. This amino acid position is conserved. In addition, this alteration is predicted to be tolerated by in silico analysis. Based on the available evidence, the clinical significance of this variant remains unclear.

Labcorp Genetics (formerly Invitae), Labcorp
Classification: Uncertain significance. Last evaluated: 2023-01-17. Review status: criteria provided, single submitter. Criteria: Invitae Variant Classification Sherloc (09022015). Collection method: clinical testing. Allele origin: germline.
Comment: This sequence change replaces arginine, which is basic and polar, with lysine, which is basic and polar, at codon 519 of the SAMD9L protein (p.Arg519Lys). This variant is not present in population databases (gnomAD no frequency). This variant has not been reported in the literature in individuals affected with SAMD9L-related conditions. Advanced modeling of protein sequence and biophysical properties (such as structural, functional, and spatial information, amino acid conservation, physicochemical variation, residue mobility, and thermodynamic stability) performed at Invitae indicates that this missense variant is not expected to disrupt SAMD9L protein function. In summary, the available evidence is currently insufficient to determine the role of this variant in disease. Therefore, it has been classified as a Variant of Uncertain Significance.